The following is an entry in ClinVar:

ClinVar aggregate classification (germline): Benign (1 of 4 stars; one submission).

Allele frequency attached by ClinVar (database versions not stated): 1000 Genomes Project 30x 0.00312; 1000 Genomes Project 0.00319; TOPMed 0.00521; gnomAD 0.00714; ExAC 0.00735; ESP Exome Variant Server 0.00774; gnomAD exomes 0.00960.
gnomAD v4.1: 14,929 of 1,612,564 alleles (0.93%); highest among the groups gnomAD compares: Non-Finnish European, 1.1%; 124 homozygotes.

Submission:

CeGaT Center for Human Genetics Tuebingen
Classification: Benign. Last evaluated: 2022-08-01. Review status: criteria provided, single submitter. Criteria: CeGaT Center For Human Genetics Tuebingen Variant Classification Criteria Version 2. Collection method: clinical testing. Allele origin: germline. Affected: yes. Observed: 1 variant allele.
Comment: ZAN: BP4, BP7, BS1, BS2

NM_003386.3(ZAN):c.2514C>A (p.Ile838=)

Gene: ZAN (zonadhesin; plus strand). Cytogenetic location: 7q22.1.
Variant type: single nucleotide variant.
Coding change: c.2514C>A on transcript NM_003386.3 (MANE Select); coding-DNA position 2514, C replaced by A.
Protein change: p.Ile838=; no amino-acid change (isoleucine 838 retained).
Molecular consequence: synonymous variant. On other transcripts: non-coding transcript variant (3).
Genome position (GRCh38, 1-based): chr7:100,752,619, C>A. VCF-style: chr7-100752619-C-A. GRCh37 (hg19) VCF-style: chr7-100350242-C-A.
Other names: c.2514C>A, p.Ile838= (NM_173059.3).
Identifiers: ClinVar variation 2657771 (VCV002657771.24), dbSNP rs117339995, ClinGen allele CA4390403.
Genomic context (GRCh38, chr7:100,752,619, plus strand): 5'-CATGGAAAAACCCACTCTCCCCACTGAAGAAACCACCACCTCTGTTGAAGAGACTACCAT[C>A]TCTACAGAAAAACTCACCATCCCCATGGAAAAACCCACCATCTCCACAGAAAAACCCACC-3'
Protein context (NP_003377.2, residues 828-848): ETTTSVEETT[Ile838=]STEKLTIPME